The following is an entry in ClinVar:

ClinVar aggregate classification (germline): Uncertain significance (1 of 4 stars; one submission).

Submission:

GeneDx
Classification: Uncertain significance. Last evaluated: 2023-06-07. Review status: criteria provided, single submitter. Criteria: GeneDx Variant Classification Process June 2021. Collection method: clinical testing. Allele origin: germline. Affected: yes.
Comment: Not observed at significant frequency in large population cohorts (gnomAD); In silico analysis supports that this missense variant has a deleterious effect on protein structure/function; Has not been previously published as pathogenic or benign to our knowledge

NM_001395002.1(MAP4K4):c.347T>C (p.Leu116Pro)

Gene: MAP4K4 (mitogen-activated protein kinase kinase kinase kinase 4; plus strand). Cytogenetic location: 2q11.2.
Variant type: single nucleotide variant.
Coding change: c.347T>C on transcript NM_001395002.1 (MANE Select); coding-DNA position 347, T replaced by C.
Protein change: p.Leu116Pro; replaces leucine 116 with proline.
Molecular consequence: missense variant. On other transcripts: non-coding transcript variant (4).
Genome position (GRCh38, 1-based): chr2:101,825,359, T>C. VCF-style: chr2-101825359-T-C. GRCh37 (hg19) VCF-style: chr2-102441821-T-C.
Other names: c.347T>C, p.Leu116Pro (NM_001242559.2, NM_001242560.2, NM_001384476.1 and 28 more transcripts); c.320T>C, p.Leu107Pro (NM_001384549.1, NM_001384550.1, NM_001384551.1 and 16 more transcripts); short protein forms L107P, L116P.
Identifiers: ClinVar variation 3359351 (VCV003359351.1).